The following is an entry in ClinVar:

NM_130837.3(OPA1):c.2569A>G (p.Asn857Asp)

Gene: OPA1 (OPA1 mitochondrial dynamin like GTPase; plus strand). Cytogenetic location: 3q29.
Variant type: single nucleotide variant.
Coding change: c.2569A>G on transcript NM_130837.3 (MANE Select); coding-DNA position 2569, A replaced by G.
Protein change: p.Asn857Asp; replaces asparagine 857 with aspartic acid.
Molecular consequence: missense variant.
Genome position (GRCh38, 1-based): chr3:193,662,870, A>G. VCF-style: chr3-193662870-A-G. GRCh37 (hg19) VCF-style: chr3-193380659-A-G.
Other names: c.2035A>G, p.Asn679Asp (NM_001354663.2); c.2032A>G, p.Asn678Asp (NM_001354664.2); c.2404A>G, p.Asn802Asp (NM_015560.3); c.2296A>G, p.Asn766Asp (NM_130831.3); c.2350A>G, p.Asn784Asp (NM_130832.3); c.2407A>G, p.Asn803Asp (NM_130833.3); c.2458A>G, p.Asn820Asp (NM_130834.3); c.2461A>G, p.Asn821Asp (NM_130835.3); and 1 more; short protein forms N678D, N679D, N766D, N784D, N802D, N803D, N820D, N821D.
Identifiers: ClinVar variation 1316109 (VCV001316109.2), dbSNP rs2109231506, ClinGen allele CA355793116.

ClinVar aggregate classification (germline): Uncertain significance (1 of 4 stars; one submission).

Submission:

GeneDx
Classification: Uncertain significance. Last evaluated: 2020-02-17. Review status: criteria provided, single submitter. Criteria: GeneDx Variant Classification Process June 2021. Collection method: clinical testing. Allele origin: germline. Affected: yes.
Comment: Not observed in large population cohorts (Lek et al., 2016); In silico analysis supports that this missense variant does not alter protein structure/function; Has not been previously published as pathogenic or benign to our knowledge